The following is an entry in ClinVar:

ClinVar aggregate classification (germline): Uncertain significance (1 of 4 stars; one submission).

Submission:

GeneDx
Classification: Uncertain significance. Last evaluated: 2026-02-25. Review status: criteria provided, single submitter. Criteria: GeneDx Variant Classification Process June 2021. Collection method: clinical testing. Allele origin: germline.
Comment: Not observed at significant frequency in large population cohorts (gnomAD); In silico analysis suggests that this missense variant does not alter protein structure/function; Has not been previously published as pathogenic or benign to our knowledge

NM_001378454.1(ALMS1):c.152G>C (p.Gly51Ala)

Gene: ALMS1 (ALMS1 centrosome and basal body associated protein; plus strand). Cytogenetic location: 2p13.1.
Variant type: single nucleotide variant.
Coding change: c.152G>C on transcript NM_001378454.1 (MANE Select); coding-DNA position 152, G replaced by C.
Protein change: p.Gly51Ala; replaces glycine 51 with alanine.
Molecular consequence: missense variant.
Genome position (GRCh38, 1-based): chr2:73,386,020, G>C. VCF-style: chr2-73386020-G-C. GRCh37 (hg19) VCF-style: chr2-73613148-G-C.
Other names: c.155G>C, p.Gly52Ala (NM_015120.4); short protein forms G52A, G51A.
Identifiers: ClinVar variation 5009986 (VCV005009986.1).